The following is an entry in ClinVar:

NM_001609.4(ACADSB):c.1228G>A (p.Gly410Ser)

Gene: ACADSB (acyl-CoA dehydrogenase short/branched chain; plus strand). Cytogenetic location: 10q26.13.
Variant type: single nucleotide variant.
Coding change: c.1228G>A on transcript NM_001609.4 (MANE Select); coding-DNA position 1228, G replaced by A.
Protein change: p.Gly410Ser; replaces glycine 410 with serine.
Molecular consequence: missense variant.
Genome position (GRCh38, 1-based): chr10:123,053,160, G>A. VCF-style: chr10-123053160-G-A. GRCh37 (hg19) VCF-style: chr10-124812676-G-A.
Other names: 1228G-A, EX10DEL; c.922G>A, p.Gly308Ser (NM_001330174.3); c.1228G>A (NM_001609.3); short protein forms G410S, G308S.
Identifiers: ClinVar variation 9199 (VCV000009199.3), dbSNP rs387906409, ClinGen allele CA120171.

ClinVar aggregate classification (germline): Pathogenic/Likely pathogenic. Review status: criteria provided, multiple submitters, no conflicts (2 of 4 stars). 3 submissions from 3 submitters: Pathogenic (1); Likely pathogenic (1). 1 of the submissions does not count toward it. Last evaluated 2025-12-09.

Conditions:
Deficiency of 2-methylbutyryl-CoA dehydrogenase (ACADSB). Also called: 2-methylbutyrylglycinuria; 2-methylbutyryl-CoA dehydrogenase deficiency; SBCAD deficiency; 2-methylbutyric aciduria; Short branched-chain acyl-CoA dehydrogenase deficiency. Identifiers: Orphanet 79157, MedGen C1864912, MONDO:0012392, OMIM 610006, HP:0020147.

Allele frequency attached by ClinVar (database versions not stated): gnomAD 0.00001; gnomAD exomes 0.00001 and 0.00003; TOPMed 0.00001; ExAC 0.00003.
gnomAD v4.1: 14 of 1,544,128 alleles (0.00091%); highest among the groups gnomAD compares: South Asian, 0.014%; no homozygotes.

Submissions (3):

Labcorp Genetics (formerly Invitae), Labcorp
Classification: Likely pathogenic for Deficiency of 2-methylbutyryl-CoA dehydrogenase. Last evaluated: 2025-12-09. Review status: criteria provided, single submitter. Criteria: Invitae Variant Classification Sherloc (09022015). Collection method: clinical testing. Allele origin: germline.
Comment: This sequence change replaces glycine, which is neutral and non-polar, with serine, which is neutral and polar, at codon 410 of the ACADSB protein (p.Gly410Ser). RNA analysis indicates that this missense change induces altered splicing and may result in an absent or altered protein product. The frequency data for this variant in the population databases is considered unreliable, as metrics indicate poor data quality at this position in the gnomAD database. This missense change has been observed in individual(s) with short/branched chain acyl-CoA dehydrogenase (SBCAD) deficiency (PMID: 11013134). ClinVar contains an entry for this variant (Variation ID: 9199). Invitae Evidence Modeling of protein sequence and biophysical properties (such as structural, functional, and spatial information, amino acid conservation, physicochemical variation, residue mobility, and thermodynamic stability) indicates that this missense variant is expected to disrupt ACADSB protein function with a positive predictive value of 95%. Experimental studies have shown that this missense change affects ACADSB function (PMID: 11013134). Variants that disrupt the consensus splice site are a relatively common cause of aberrant splicing (PMID: 17576681, 9536098). Studies have shown that this missense change results in skipping of exon 10, and produces a non-functional protein and/or introduces a premature termination codon (PMID: 11013134). In summary, the currently available evidence indicates that the variant is pathogenic, but additional data are needed to prove that conclusively. Therefore, this variant has been classified as Likely Pathogenic.

Women's Health and Genetics/Laboratory Corporation of America, LabCorp
Classification: Pathogenic for Deficiency of 2-methylbutyryl-CoA dehydrogenase. Last evaluated: 2023-06-28. Review status: criteria provided, single submitter. Criteria: LabCorp Variant Classification Summary - May 2015. Collection method: clinical testing. Allele origin: germline.
Comment: Variant summary: ACADSB c.1228G>A (p.Gly410Ser) results in a non-conservative amino acid change located in the Acyl-CoA dehydrogenase/oxidase C-terminal domain (IPR009075) of the encoded protein sequence. Four of five in-silico tools predict a damaging effect of the variant on protein function. Several computational tools predict a significant impact on normal splicing: Four predict the variant abolishes a canonical 5' splicing donor site. This was confirmed via cDNA sequencing of a homozygous patient, which showed that the variant causes skipping of exon 10 (Andresen_2000). The variant allele was found at a frequency of 2.9e-05 in 237360 control chromosomes (gnomAD). c.1228G>A has been reported in the literature in a Pakistani family with two homozygous individuals affected with Deficiency of 2-methylbutyryl-CoA Dehydrogenase (Andresen_2000). These data indicate that the variant is likely to be associated with disease. Although the variant did not cause absence of the protein through nonsense mediated decay, fibroblasts from a homozygous patient showed less than 10% residual activity when compared to control fibroblasts (Andresen_2000). The following publication have been ascertained in the context of this evaluation (PMID: 11013134). No submitters have cited clinical-significance assessments for this variant to ClinVar after 2014. Based on the evidence outlined above, the variant was classified as pathogenic.

OMIM
Classification: Pathogenic for 2-METHYLBUTYRYL-CoA DEHYDROGENASE DEFICIENCY. Last evaluated: 2000-11-01. Review status: no assertion criteria provided. Collection method: literature only. Allele origin: germline. Not counted in ClinVar's aggregate classification.

Literature cited by the submitters: PubMed 11013134 (cited by 3 submitters); PubMed 17576681 (cited by Labcorp Genetics (formerly Invitae), Labcorp); PubMed 9536098 (cited by Labcorp Genetics (formerly Invitae), Labcorp).